The following is an entry in ClinVar:

ClinVar aggregate classification (germline): Likely benign (1 of 4 stars; one submission).

Submission:

CeGaT Center for Human Genetics Tuebingen
Classification: Likely benign. Last evaluated: 2024-10-01. Review status: criteria provided, single submitter. Criteria: CeGaT Center For Human Genetics Tuebingen Variant Classification Criteria Version 2. Collection method: clinical testing. Allele origin: germline. Affected: yes. Observed: 1 variant allele.
Comment: ABCA13: PM2:Supporting, BP4, BP7

NM_152701.5(ABCA13):c.3846T>C (p.Asn1282=)

Gene: ABCA13 (ATP binding cassette subfamily A member 13; plus strand). Cytogenetic location: 7p12.3.
Variant type: single nucleotide variant.
Coding change: c.3846T>C on transcript NM_152701.5 (MANE Select); coding-DNA position 3846, T replaced by C.
Protein change: p.Asn1282=; no amino-acid change (asparagine 1282 retained).
Molecular consequence: synonymous variant.
Genome position (GRCh38, 1-based): chr7:48,273,512, T>C. VCF-style: chr7-48273512-T-C. GRCh37 (hg19) VCF-style: chr7-48313109-T-C.
Identifiers: ClinVar variation 3388801 (VCV003388801.14).
Genomic context (GRCh38, chr7:48,273,512, plus strand): 5'-TGCCCTGCATCAGTTGAAGACATTTCCATTCAACGAAAGTACAAGCAGAGAGTTTTTAAA[T>C]TCTCTGCTTGAAGTTTTCATTGAGTTTAGCAGTACCTCAGAATATATAGTCAGAAATCTA-3'
Protein context (NP_689914.3, residues 1272-1292): FNESTSREFL[Asn1282=]SLLEVFIEFS